The following is an entry in ClinVar:

ClinVar aggregate classification (germline): Uncertain significance (1 of 4 stars; one submission).

Conditions:
Inborn genetic diseases. Identifiers: MedGen C0950123, MeSH D030342.

Allele frequency attached by ClinVar (database versions not stated): gnomAD 0.00001.

Submission:

Ambry Genetics
Classification: Uncertain significance for Inborn genetic diseases. Last evaluated: 2025-09-22. Review status: criteria provided, single submitter. Criteria: Ambry Variant Classification Scheme 2023. Collection method: clinical testing. Allele origin: germline.
Comment: The c.3778A>G (p.M1260V) alteration is located in exon 28 (coding exon 28) of the FLT4 gene. This alteration results from a A to G substitution at nucleotide position 3778, causing the methionine (M) at amino acid position 1260 to be replaced by a valine (V). Based on data from gnomAD, the G allele has an overall frequency of 0.003% (1/31378) total alleles studied. The highest observed frequency was 0.007% (1/15414) of European (non-Finnish) alleles. Based on insufficient or conflicting evidence, the clinical significance of this alteration remains unclear.

NM_182925.5(FLT4):c.3778A>G (p.Met1260Val)

Gene: FLT4 (fms related receptor tyrosine kinase 4; minus strand). Cytogenetic location: 5q35.3.
Variant type: single nucleotide variant.
Coding change: c.3778A>G on transcript NM_182925.5 (MANE Select); coding-DNA position 3778, A replaced by G.
Protein change: p.Met1260Val; replaces methionine 1260 with valine.
Molecular consequence: missense variant.
Genome position (GRCh38, 1-based): chr5:180,609,934, T>C on the plus strand (A>G on the coding strand, the complement: FLT4 is on the minus strand). VCF-style: chr5-180609934-T-C. GRCh37 (hg19) VCF-style: chr5-180036934-T-C.
Other names: c.3778A>G, p.Met1260Val (NM_001354989.2, NM_002020.5); short protein forms M1260V.
Identifiers: ClinVar variation 2292955 (VCV002292955.3), dbSNP rs746207295, ClinGen allele CA133199475.
Genomic context (GRCh38, chr5:180,609,934, plus strand): 5'-GAGCGCAGCCCCCACCCTTCATGTGAAGTACCACAGAGCCTTTGTAGGTCGTTGGGGTCA[T>C]GGGGAATTCCTCAAATGTCTTCATCCTGGAGGAACCACGGGTCTCAGCCCCTCTGGCCAG-3'
Protein context (NP_891555.2, residues 1250-1270): SRMKTFEEFP[Met1260Val]TPTTYKGSVD